The following is an entry in ClinVar:

ClinVar aggregate classification (germline): Likely benign (0 of 4 stars; one submission).

Conditions:
CTU2-related disorder. Also called: CTU2-related condition.

Allele frequency attached by ClinVar (database versions not stated): TOPMed 0.00004; gnomAD 0.00006.
gnomAD v4.1: 52 of 1,612,498 alleles (0.0032%); highest among the groups gnomAD compares: African/African-American, 0.019%; no homozygotes.

Submission:

PreventionGenetics, part of Exact Sciences
Classification: Likely benign for CTU2-related condition. Last evaluated: 2019-03-18. Review status: no assertion criteria provided. Collection method: clinical testing. Allele origin: germline.
Comment: This variant is classified as likely benign based on ACMG/AMP sequence variant interpretation guidelines (Richards et al. 2015 PMID: 25741868, with internal and published modifications).

NM_001012759.3(CTU2):c.894C>T (p.His298=)

Gene: CTU2 (cytosolic thiouridylase subunit 2; plus strand). Cytogenetic location: 16q24.3.
Variant type: single nucleotide variant.
Coding change: c.894C>T on transcript NM_001012759.3 (MANE Select); coding-DNA position 894, C replaced by T.
Protein change: p.His298=; no amino-acid change (histidine 298 retained).
Molecular consequence: synonymous variant.
Genome position (GRCh38, 1-based): chr16:88,713,667, C>T. VCF-style: chr16-88713667-C-T. GRCh37 (hg19) VCF-style: chr16-88780075-C-T.
Other names: c.894C>T, p.His298= (NM_001012762.3); c.1107C>T, p.His369= (NM_001318507.2); c.633C>T, p.His211= (NM_001318513.2).
Identifiers: ClinVar variation 3058462 (VCV003058462.2), dbSNP rs750272877, ClinGen allele CA8230639.